The following is an entry in ClinVar:

ClinVar aggregate classification (germline): Uncertain significance (1 of 4 stars; one submission).

Conditions:
Episodic ataxia type 2 (EA2). Also called: ATAXIA, EPISODIC, WITH NYSTAGMUS; ATAXIA, FAMILIAL PAROXYSMAL; ACETAZOLAMIDE-RESPONSIVE HEREDITARY PAROXYSMAL CEREBELLAR ATAXIA; CEREBELLAR ATAXIA, PAROXYSMAL, ACETAZOLAMIDE-RESPONSIVE; CEREBELLOPATHY, HEREDITARY PAROXYSMAL; EPISODIC ATAXIA, NYSTAGMUS-ASSOCIATED. Identifiers: Orphanet 97, MedGen C1720416, MONDO:0007163, OMIM 108500.
Developmental and epileptic encephalopathy, 42 (DEE42A). Also called: Epileptic encephalopathy, early infantile, 42; DEVELOPMENTAL AND EPILEPTIC ENCEPHALOPATHY 42A; EPILEPTIC ENCEPHALOPATHY, EARLY INFANTILE, 42A. Identifiers: MedGen C4310716, MONDO:0014917, OMIM 617106.

Submission:

Labcorp Genetics (formerly Invitae), Labcorp
Classification: Uncertain significance for Developmental and epileptic encephalopathy, 42; Episodic ataxia type 2. Last evaluated: 2024-05-01. Review status: criteria provided, single submitter. Criteria: Invitae Variant Classification Sherloc (09022015). Collection method: clinical testing. Allele origin: germline.
Comment: This sequence change replaces threonine, which is neutral and polar, with arginine, which is basic and polar, at codon 809 of the CACNA1A protein (p.Thr809Arg). This variant is present in population databases (rs748099275, gnomAD 0.0009%). This variant has not been reported in the literature in individuals affected with CACNA1A-related conditions. Advanced modeling of protein sequence and biophysical properties (such as structural, functional, and spatial information, amino acid conservation, physicochemical variation, residue mobility, and thermodynamic stability) performed at Invitae indicates that this missense variant is not expected to disrupt CACNA1A protein function with a negative predictive value of 95%. In summary, the available evidence is currently insufficient to determine the role of this variant in disease. Therefore, it has been classified as a Variant of Uncertain Significance.

NM_001127222.2(CACNA1A):c.2423C>G (p.Thr808Arg)

Gene: CACNA1A (calcium voltage-gated channel subunit alpha1 A; minus strand). Cytogenetic location: 19p13.13.
Variant type: single nucleotide variant.
Coding change: c.2423C>G on transcript NM_001127222.2 (MANE Select); coding-DNA position 2423, C replaced by G.
Protein change: p.Thr808Arg; replaces threonine 808 with arginine.
Molecular consequence: missense variant.
Genome position (GRCh38, 1-based): chr19:13,299,210, G>C on the plus strand (C>G on the coding strand, the complement: CACNA1A is on the minus strand). VCF-style: chr19-13299210-G-C. GRCh37 (hg19) VCF-style: chr19-13410024-G-C.
Other names: c.2435C>G, p.Thr812Arg (NM_000068.4, NM_023035.3); c.2426C>G, p.Thr809Arg (NM_001127221.2, NM_001174080.2); short protein forms T808R, T809R, T812R.
Identifiers: ClinVar variation 3763975 (VCV003763975.2).